The following is an entry in ClinVar:

ClinVar aggregate classification (germline): Likely pathogenic. Review status: criteria provided, multiple submitters, no conflicts (2 of 4 stars). 2 submissions from 2 submitters: Likely pathogenic (2). Last evaluated 2019-01-01.

Conditions:
Landau-Kleffner syndrome (FESD). Also called: EPILEPSY, FOCAL, WITH SPEECH DISORDER AND WITH OR WITHOUT MENTAL RETARDATION; APHASIA, ACQUIRED, WITH EPILEPSY. Identifiers: Orphanet 1945, Orphanet 725, Orphanet 98818, MedGen C0282512, MONDO:0009509, OMIM 245570.

Submissions (2):

Institute of Human Genetics, University of Leipzig Medical Center
Classification: Likely pathogenic for Landau-Kleffner syndrome. Last evaluated: 2019-01-01. Review status: criteria provided, single submitter. Criteria: ACMG Guidelines, 2015. Collection method: research. Allele origin: unknown. Affected: yes.

GeneDx
Classification: Likely pathogenic. Last evaluated: 2015-12-18. Review status: criteria provided, single submitter. Criteria: GeneDx Variant Classification (06012015). Collection method: clinical testing. Allele origin: germline. Affected: yes.
Comment: The c.1692delG likely pathogenic variant has not been published as a pathogenic variant, nor has it been reported as a benign variant to our knowledge. It was not observed in approximately 6,500 individuals of European and African American ancestry in the NHLBI Exome Sequencing Project, indicating it is not a common benign variant in these populations The c.1692delG variant causes a frameshift starting with codon Methionine 564, changes this amino acid to aa Isoleucine residue and creates a premature Stop codon at position 8 of the new reading frame, denoted p.Met564IlefsX8. This variant is predicted to cause loss of normal protein function either through protein truncation or nonsense-mediated mRNA decay. Therefore, this variant is likely pathogenic; however, the possibility that it is benign cannot be excluded.

Literature cited by the submitters: PubMed 30544257 (cited by Institute of Human Genetics, University of Leipzig Medical Center).

NM_001134407.3(GRIN2A):c.1692del (p.Met564fs)

Gene: GRIN2A (glutamate ionotropic receptor NMDA type subunit 2A; minus strand). Cytogenetic location: 16p13.2.
Variant type: Deletion.
Coding change: c.1692del on transcript NM_001134407.3 (MANE Select); coding-DNA position 1692, one base deleted (G; older notation c.1692delG).
Protein change: p.Met564fs; shifts the reading frame from methionine 564.
Molecular consequence: frameshift variant.
Genome position (GRCh38, 1-based): chr16:9,834,190, C deleted on the plus strand (G on the coding strand, the reverse complement: GRIN2A is on the minus strand). VCF-style (leftmost placement, unchanged base first): chr16-9834189-GC-G. GRCh37 (hg19) VCF-style: chr16-9928046-GC-G.
Other names: c.1692del, p.Met564fs (NM_000833.5, NM_001134408.2); c.1692delG (NM_001134407.3); short protein forms M564fs.
Identifiers: ClinVar variation 265532 (VCV000265532.3), dbSNP rs886039604, ClinGen allele CA10588637.